The following is an entry in ClinVar:

Conditions:
Long QT syndrome 5 (LQT5). Identifiers: Orphanet 101016, Orphanet 768, MedGen C1867904, MONDO:0013372, OMIM 613695.

Submission:

Roden Lab, Vanderbilt University Medical Center
No classification provided (evidence only). Condition: Long QT syndrome 5. Review status: no classification provided. Collection method: in vitro. Allele origin: not applicable. Functional consequence: Effect on ion channel function.
ClinVar note: "not provided" was previously submitted as the classification for the variant. However, the classification appeared to be based only on an observation of functional data so it was converted to no classification on 2025-07-30.

NM_000219.6(KCNE1):c.332A>T (p.Asn111Ile)

Gene: KCNE1 (potassium voltage-gated channel subfamily E regulatory subunit 1; minus strand). Cytogenetic location: 21q22.12.
Variant type: single nucleotide variant.
Coding change: c.332A>T on transcript NM_000219.6 (MANE Select); coding-DNA position 332, A replaced by T.
Protein change: p.Asn111Ile; replaces asparagine 111 with isoleucine.
Molecular consequence: missense variant.
Genome position (GRCh38, 1-based): chr21:34,449,303, T>A on the plus strand (A>T on the coding strand, the complement: KCNE1 is on the minus strand). VCF-style: chr21-34449303-T-A. GRCh37 (hg19) VCF-style: chr21-35821601-T-A.
Other names: c.332A>T, p.Asn111Ile (NM_001127668.4, NM_001127669.4, NM_001127670.4 and 4 more transcripts); short protein forms N111I.
Identifiers: ClinVar variation 3374665 (VCV003374665.2).